The following is an entry in ClinVar:

ClinVar aggregate classification (germline): Uncertain significance. Review status: criteria provided, multiple submitters, no conflicts (2 of 4 stars). 3 submissions from 3 submitters: Uncertain significance (3). Last evaluated 2025-04-20.

Conditions:
Familial thoracic aortic aneurysm and aortic dissection (TAAD). Also called: Thoracic aortic aneurysms and dissections. Identifiers: Orphanet 91387, MedGen C4707243, MONDO:0019625.
Rienhoff syndrome. Also called: LOEYS-DIETZ SYNDROME 5. Identifiers: MedGen C3810012, MONDO:0014262, OMIM 615582.

Allele frequency attached by ClinVar (database versions not stated): TOPMed 0.00002.
gnomAD v4.1: 2 of 1,614,110 alleles (0.00012%); highest among the groups gnomAD compares: East Asian, 0.0022%; no homozygotes.

Submissions (3):

Ambry Genetics
Classification: Uncertain significance for Familial thoracic aortic aneurysm and aortic dissection. Last evaluated: 2025-04-20. Review status: criteria provided, single submitter. Criteria: Ambry Variant Classification Scheme 2023. Collection method: clinical testing. Allele origin: germline.
Comment: The p.Y101H variant (also known as c.301T>C), located in coding exon 1 of the TGFB3 gene, results from a T to C substitution at nucleotide position 301. The tyrosine at codon 101 is replaced by histidine, an amino acid with similar properties. This amino acid position is conserved. In addition, this alteration is predicted to be deleterious by in silico analysis. Based on the available evidence, the clinical significance of this variant remains unclear.

Labcorp Genetics (formerly Invitae), Labcorp
Classification: Uncertain significance for Rienhoff syndrome. Last evaluated: 2024-10-28. Review status: criteria provided, single submitter. Criteria: Invitae Variant Classification Sherloc (09022015). Collection method: clinical testing. Allele origin: germline.
Comment: This sequence change replaces tyrosine, which is neutral and polar, with histidine, which is basic and polar, at codon 101 of the TGFB3 protein (p.Tyr101His). This variant is present in population databases (no rsID available, gnomAD 0.006%). This variant has not been reported in the literature in individuals affected with TGFB3-related conditions. ClinVar contains an entry for this variant (Variation ID: 581990). Invitae Evidence Modeling of protein sequence and biophysical properties (such as structural, functional, and spatial information, amino acid conservation, physicochemical variation, residue mobility, and thermodynamic stability) indicates that this missense variant is not expected to disrupt TGFB3 protein function with a negative predictive value of 80%. In summary, the available evidence is currently insufficient to determine the role of this variant in disease. Therefore, it has been classified as a Variant of Uncertain Significance.

AiLife Diagnostics
Classification: Uncertain significance. Last evaluated: 2021-08-04. Review status: criteria provided, single submitter. Criteria: ACMG Guidelines, 2015. Collection method: clinical testing. Allele origin: germline. Affected: yes. Observed: 1 variant allele.

NM_003239.5(TGFB3):c.301T>C (p.Tyr101His)

Gene: TGFB3 (transforming growth factor beta 3; minus strand). Cytogenetic location: 14q24.3.
Variant type: single nucleotide variant.
Coding change: c.301T>C on transcript NM_003239.5 (MANE Select); coding-DNA position 301, T replaced by C.
Protein change: p.Tyr101His; replaces tyrosine 101 with histidine.
Molecular consequence: missense variant.
Genome position (GRCh38, 1-based): chr14:75,980,593, A>G on the plus strand (T>C on the coding strand, the complement: TGFB3 is on the minus strand). VCF-style: chr14-75980593-A-G. GRCh37 (hg19) VCF-style: chr14-76446936-A-G.
Other names: c.301T>C, p.Tyr101His (NM_001329938.2, NM_001329939.2); c.301T>C (NM_003239.2); short protein forms Y101H.
Identifiers: ClinVar variation 581990 (VCV000581990.10), dbSNP rs1380630603, ClinGen allele CA390471008.